The following is an entry in ClinVar:

NM_000186.4(CFH):c.2827_2831del (p.Ala943fs)

Gene: CFH (complement factor H; plus strand). Cytogenetic location: 1q31.3.
Variant type: Deletion.
Coding change: c.2827_2831del on transcript NM_000186.4 (MANE Select); coding-DNA positions 2827 to 2831, 5 bases deleted (GCTCA; older notation c.2827_2831delGCTCA).
Protein change: p.Ala943fs; shifts the reading frame from alanine 943.
Molecular consequence: frameshift variant.
Genome position (GRCh38, 1-based): chr1:196,740,663-196,740,667, GCTCA deleted; deleting any 5 consecutive bases within chr1:196,740,662-196,740,667 gives the same sequence; the c. name uses the placement nearest the transcript's 3' end. VCF-style (leftmost placement, unchanged base first): chr1-196740661-TAGCTC-T. GRCh37 (hg19) VCF-style: chr1-196709791-TAGCTC-T.
Other names: short protein forms A943fs.
Identifiers: ClinVar variation 4291514 (VCV004291514.1).
Genomic context (GRCh38, chr1:196,740,661, plus strand): 5'-TCATTCTTTTTTTTTTAGGCCTTCCTTGTAAATCTCCACCTGAGATTTCTCATGGTGTTG[TAGCTC>T]ACATGTCAGACAGTTATCAGTATGGAGAAGAAGTTACGTACAAATGTTTTGAAGGTTTTG-3'

ClinVar aggregate classification (germline): Pathogenic, low penetrance (1 of 4 stars; one submission).

Conditions:
Atypical hemolytic-uremic syndrome. Identifiers: Orphanet 2134, MedGen C2931788, MONDO:0016244.

Submission:

Genomenon, Inc
Classification: Pathogenic, low penetrance for Atypical hemolytic-uremic syndrome. Last evaluated: 2025-10-02. Review status: criteria provided, single submitter. Criteria: Genomenon Sequence Variant Interpretation Standards - Updated. Collection method: curation. Allele origin: germline. Affected: yes.
Comment: CFH p.Ala943HisfsTer17 (c.2827_2831del) is a frameshift variant that results in the production of a truncated protein which is predicted to undergo nonsense-mediated mRNA decay. This variant has been observed in at least one proband affected with atypical hemolytic-uremic syndrome (PMID:25752761;27784126). It is absent or not present at a significant frequency in gnomAD. In conclusion, we classify CFH p.Ala943HisfsTer17 (c.2827_2831del) as a pathogenic, low penetrance variant.

Literature cited by the submitters: PubMed 25752761; PubMed 27784126.